The following is an entry in ClinVar:

ClinVar aggregate classification (germline): Uncertain significance. Review status: criteria provided, multiple submitters, no conflicts (2 of 4 stars). 4 submissions from 4 submitters: Uncertain significance (4). Last evaluated 2026-02-03.

Conditions:
Multiple endocrine neoplasia, type 2 (MEN2). Identifiers: Orphanet 653, MedGen C4048306, MONDO:0019003. Disease mechanism: gain of function.
Hereditary cancer-predisposing syndrome. Also called: Tumor predisposition; Hereditary neoplastic syndrome; Neoplastic Syndromes, Hereditary; Hereditary Cancer Syndrome. Identifiers: Orphanet 140162, MedGen C0027672, MeSH D009386, MONDO:0015356.

Allele frequency attached by ClinVar (database versions not stated): gnomAD exomes below 0.00001.
gnomAD v4.1: 2 of 1,613,956 alleles (0.00012%); highest among the groups gnomAD compares: Admixed American, 0.0033%; no homozygotes.

Submissions (4):

Labcorp Genetics (formerly Invitae), Labcorp
Classification: Uncertain significance for Multiple endocrine neoplasia, type 2. Last evaluated: 2026-02-03. Review status: criteria provided, single submitter. Criteria: Invitae Variant Classification Sherloc (09022015). Collection method: clinical testing. Allele origin: germline.
Comment: This sequence change replaces glutamine, which is neutral and polar, with arginine, which is basic and polar, at codon 70 of the RET protein (p.Gln70Arg). This variant is present in population databases (no rsID available, gnomAD 0.003%). This variant has not been reported in the literature in individuals affected with RET-related conditions. ClinVar contains an entry for this variant (Variation ID: 859252). An algorithm developed to predict the effect of missense changes on protein structure and function outputs the following: PolyPhen-2: "Benign". The arginine amino acid residue is found in multiple mammalian species, which suggests that this missense change does not adversely affect protein function. In summary, the available evidence is currently insufficient to determine the role of this variant in disease. Therefore, it has been classified as a Variant of Uncertain Significance.

Ambry Genetics
Classification: Uncertain significance for Hereditary cancer-predisposing syndrome. Last evaluated: 2025-09-18. Review status: criteria provided, single submitter. Criteria: Ambry Variant Classification Scheme 2023. Collection method: clinical testing. Allele origin: germline.
Comment: The p.Q70R variant (also known as c.209A>G), located in coding exon 2 of the RET gene, results from an A to G substitution at nucleotide position 209. The glutamine at codon 70 is replaced by arginine, an amino acid with highly similar properties. This amino acid position is well conserved in available vertebrate species. In addition, this alteration is predicted to be tolerated by in silico analysis. Since supporting evidence is limited at this time, the clinical significance of this alteration remains unclear.

All of Us Research Program, National Institutes of Health
Classification: Uncertain significance for Multiple endocrine neoplasia, type 2. Last evaluated: 2024-04-16. Review status: criteria provided, single submitter. Criteria: ACMG Guidelines, 2015. Collection method: clinical testing. Allele origin: germline. Inheritance: Autosomal dominant inheritance. Observed: 1 variant allele, 1 heterozygote.
Comment: This missense variant replaces glutamine with arginine at codon 70 of the RET protein. Computational prediction suggests that this variant may not impact protein structure and function. To our knowledge, functional studies have not been reported for this variant. This variant has not been reported in individuals affected with hereditary cancer in the literature. This variant has been identified in 1/251162 chromosomes in the general population by the Genome Aggregation Database (gnomAD). The available evidence is insufficient to determine the role of this variant in disease conclusively. Therefore, this variant is classified as a Variant of Uncertain Significance.

This study involves interpretation of variants in research participants for the purpose of population health screening. Participant phenotype was not available at the time of variant classification. Additional details can be found in publication PMID: 35346344, PMCID: PMC8962531

Revvity Omics, Revvity
Classification: Uncertain significance. Last evaluated: 2019-05-31. Review status: criteria provided, single submitter. Criteria: ACMG Guidelines, 2015. Collection method: clinical testing. Allele origin: germline.

NM_020975.6(RET):c.209A>G (p.Gln70Arg)

Gene: RET (ret proto-oncogene; plus strand). Cytogenetic location: 10q11.21.
Variant type: single nucleotide variant.
Coding change: c.209A>G on transcript NM_020975.6 (MANE Select); coding-DNA position 209, A replaced by G.
Protein change: p.Gln70Arg; replaces glutamine 70 with arginine.
Molecular consequence: missense variant.
Genome position (GRCh38, 1-based): chr10:43,100,594, A>G. VCF-style: chr10-43100594-A-G. GRCh37 (hg19) VCF-style: chr10-43596042-A-G.
Other names: c.209A>G, p.Gln70Arg (NM_001406761.1, NM_001406762.1, NM_001406743.1 and 34 more transcripts); short protein forms Q70R.
Identifiers: ClinVar variation 859252 (VCV000859252.16), dbSNP rs1329573334, ClinGen allele CA376770316.